The following is an entry in ClinVar:

NM_001379403.1(WDR26):c.1082A>G (p.His361Arg)

Gene: WDR26 (WD repeat domain 26; minus strand). Cytogenetic location: 1q42.12.
Variant type: single nucleotide variant.
Coding change: c.1082A>G on transcript NM_001379403.1 (MANE Select); coding-DNA position 1082, A replaced by G.
Protein change: p.His361Arg; replaces histidine 361 with arginine.
Molecular consequence: missense variant.
Genome position (GRCh38, 1-based): chr1:224,419,598, T>C on the plus strand (A>G on the coding strand, the complement: WDR26 is on the minus strand). VCF-style: chr1-224419598-T-C. GRCh37 (hg19) VCF-style: chr1-224607300-T-C.
Other names: c.734A>G, p.His245Arg (NM_001115113.3); c.782A>G, p.His261Arg (NM_025160.7); short protein forms H245R, H261R, H361R.
Identifiers: ClinVar variation 1703175 (VCV001703175.3), dbSNP rs2464747078, ClinGen allele CA344750320.

ClinVar aggregate classification (germline): Likely pathogenic (1 of 4 stars; one submission).

Conditions:
Skraban-Deardorff syndrome. Also called: WDR26-Related Intellectual Disability; INTELLECTUAL DISABILITY WITH SEIZURES, ABNORMAL GAIT, AND DISTINCTIVE FACIAL FEATURES. Identifiers: Orphanet 513456, MedGen C4539927, MONDO:0054636, OMIM 617616.

Submission:

Greenwood Genetic Center Diagnostic Laboratories, Greenwood Genetic Center
Classification: Likely pathogenic for Skraban-Deardorff syndrome. Last evaluated: 2022-04-29. Review status: criteria provided, single submitter. Criteria: ACMG Guidelines, 2015. Collection method: clinical testing. Allele origin: germline. Affected: yes.
Comment: PS2, PM2, PP2